The following is an entry in ClinVar:

NC_000017.10:g.(?_41201118)_(41201231_?)del

Gene: BRCA1 (BRCA1 DNA repair associated; minus strand). Cytogenetic location: 17q21.31.
Variant type: Deletion.
Identifiers: ClinVar variation 2425731 (VCV002425731.6).

ClinVar aggregate classification (germline): Pathogenic (1 of 4 stars; one submission).

Conditions:
Hereditary breast ovarian cancer syndrome. Also called: Hereditary breast and ovarian cancer syndrome (HBOC); Breast and ovarian cancer; Hereditary breast and/or ovarian cancer syndrome; Hereditary breast and ovarian cancer; BRCA1- and BRCA2-Associated Hereditary Breast and Ovarian Cancer; Hereditary breast and ovarian cancer syndrome. Identifiers: Orphanet 145, MedGen C0677776, MeSH D061325, MONDO:0003582. Disease mechanism: loss of function.

Submission:

Labcorp Genetics (formerly Invitae), Labcorp
Classification: Pathogenic for Hereditary breast ovarian cancer syndrome. Last evaluated: 2022-05-03. Review status: criteria provided, single submitter. Criteria: Invitae Variant Classification Sherloc (09022015). Collection method: clinical testing. Allele origin: germline.
Comment: This variant is a gross deletion of the genomic region encompassing exon(s) 21 of the BRCA1 gene. This deletion is out-of-frame, and is expected to create a premature termination codon and result in an absent or disrupted protein product. Loss-of-function variants in BRCA1 are known to be pathogenic (PMID: 20104584). A similar copy number variant has been observed in individual(s) with breast and ovarian cancer (PMID: 9354803, 11462239, 19894111). It has also been observed to segregate with disease in related individuals. This variant is also known as exon 22 deletion. For these reasons, this variant has been classified as Pathogenic.

Literature cited by the submitters: PubMed 20104584; PubMed 9354803; PubMed 11462239; PubMed 19894111.